The following is an entry in ClinVar:

NM_012123.4(MTO1):c.1031T>C (p.Ile344Thr)

Gene: MTO1 (mitochondrial tRNA translation optimization 1; plus strand). Cytogenetic location: 6q13.
Variant type: single nucleotide variant.
Coding change: c.1031T>C on transcript NM_012123.4 (MANE Select); coding-DNA position 1031, T replaced by C.
Protein change: p.Ile344Thr; replaces isoleucine 344 with threonine.
Molecular consequence: missense variant.
Genome position (GRCh38, 1-based): chr6:73,480,028, T>C. VCF-style: chr6-73480028-T-C. GRCh37 (hg19) VCF-style: chr6-74189751-T-C.
Other names: c.1031T>C, p.Ile344Thr (NM_001123226.2, NM_133645.3); short protein forms I344T.
Identifiers: ClinVar variation 1422027 (VCV001422027.5), dbSNP rs373659157, ClinGen allele CA3889501.
Genomic context (GRCh38, chr6:73,480,028, plus strand): 5'-GTTTTCCAAACCGTCTACATCAGGTTTGGTTGGAACCTGAAGGAATGGATTCTGACCTTA[T>C]CTACCCACAGGGGTTATCTATGACGCTACCAGCTGAGTTACAAGAGAAAATGATCACATG-3'
Protein context (NP_036255.2, residues 334-354): LEPEGMDSDL[Ile344Thr]YPQGLSMTLP

ClinVar aggregate classification (germline): Uncertain significance (1 of 4 stars; one submission).

Conditions:
Mitochondrial hypertrophic cardiomyopathy with lactic acidosis due to MTO1 deficiency. Also called: Combined oxidative phosphorylation deficiency 10; CARDIOMYOPATHY, INFANTILE HYPERTROPHIC MITOCHONDRIAL, AND LACTIC ACIDOSIS. Identifiers: Orphanet 314637, MedGen C4749921, MONDO:0013865, OMIM 614702.

Allele frequency attached by ClinVar (database versions not stated): gnomAD exomes below 0.00001 and 0.00001; ExAC 0.00001; gnomAD 0.00004 and 0.00005; TOPMed 0.00006; ESP Exome Variant Server 0.00008.
gnomAD v4.1: 8 of 1,614,058 alleles (0.0005%); highest among the groups gnomAD compares: African/African-American, 0.011%; no homozygotes.

Submission:

Labcorp Genetics (formerly Invitae), Labcorp
Classification: Uncertain significance for Mitochondrial hypertrophic cardiomyopathy with lactic acidosis due to MTO1 deficiency. Last evaluated: 2022-08-22. Review status: criteria provided, single submitter. Criteria: Invitae Variant Classification Sherloc (09022015). Collection method: clinical testing. Allele origin: germline.
Comment: This sequence change replaces isoleucine, which is neutral and non-polar, with threonine, which is neutral and polar, at codon 344 of the MTO1 protein (p.Ile344Thr). This variant is present in population databases (rs373659157, gnomAD 0.01%). This variant has not been reported in the literature in individuals affected with MTO1-related conditions. ClinVar contains an entry for this variant (Variation ID: 1422027). Algorithms developed to predict the effect of missense changes on protein structure and function are either unavailable or do not agree on the potential impact of this missense change (SIFT: "Deleterious"; PolyPhen-2: "Possibly Damaging"; Align-GVGD: "Class C0"). Algorithms developed to predict the effect of sequence changes on RNA splicing suggest that this variant may disrupt the consensus splice site. In summary, the available evidence is currently insufficient to determine the role of this variant in disease. Therefore, it has been classified as a Variant of Uncertain Significance.